The following is an entry in ClinVar:

NM_178857.6(RP1L1):c.996C>T (p.Val332=)

Gene: RP1L1 (RP1 like 1). Cytogenetic location: 8p23.1.
Variant type: single nucleotide variant.
Coding change: c.996C>T on transcript NM_178857.6 (MANE Select); coding-DNA position 996, C replaced by T.
Protein change: p.Val332=; no amino-acid change (valine 332 retained).
Molecular consequence: synonymous variant.
Genome position (GRCh38, 1-based): chr8:10,613,102, G>A on the plus strand (C>T on the coding strand, the complement: RP1L1 is on the minus strand). VCF-style: chr8-10613102-G-A. GRCh37 (hg19) VCF-style: chr8-10470612-G-A.
Identifiers: ClinVar variation 4980760 (VCV004980760.1).
Genomic context (GRCh38, chr8:10,613,102, plus strand): 5'-GGCTGCCGTGAGGGCGCTGGCCCTGCCCATCCTCCGGGACCATAGGAGCGTGTCCTCGCC[G>A]ACCAGGTGGAAGCGGACTTTCATCTCCACGGACAGGCTGCCGTCCTCATTCATGCGGACC-3'
Protein context (NP_849188.4, residues 322-342): SVEMKVRFHL[Val332=]GEDTLLWSRR

ClinVar aggregate classification (germline): Likely benign (1 of 4 stars; one submission).

Conditions:
RP1L1-related disorder. Also called: RP1L1-related condition.

gnomAD v4.1: 36 of 1,613,888 alleles (0.0022%); highest among the groups gnomAD compares: African/African-American, 0.017%; no homozygotes.

Submission:

PreventionGenetics, part of Exact Sciences
Classification: Likely benign for RP1L1-related condition. Last evaluated: 2025-03-03. Review status: criteria provided, single submitter. Criteria: ACMG Guidelines, 2015. Collection method: clinical testing. Allele origin: germline.
Comment: This variant is classified as likely benign based on ACMG/AMP sequence variant interpretation guidelines (Richards et al. 2015 PMID: 25741868, with internal and published modifications).